The following is an entry in ClinVar:

ClinVar aggregate classification (germline): Pathogenic. Review status: criteria provided, multiple submitters, no conflicts (2 of 4 stars). 3 submissions from 3 submitters: Pathogenic (3). Last evaluated 2024-04-02.

Conditions:
SLC12A3-related disorder. Also called: SLC12A3-related condition.
Familial hypokalemia-hypomagnesemia (GTLMNS). Also called: HYPOMAGNESEMIA-HYPOKALEMIA, PRIMARY RENOTUBULAR, WITH HYPOCALCIURIA; gitelman syndrome; POTASSIUM AND MAGNESIUM DEPLETION. Identifiers: Orphanet 358, MedGen C0268450, MONDO:0009904, OMIM 263800.

Submissions (3):

Natera, Inc.
Classification: Pathogenic for Gitelman syndrome. Last evaluated: 2024-04-02. Review status: criteria provided, single submitter. Criteria: Natera Variant Classification Schema (03/2026). Collection method: clinical testing. Allele origin: germline.
Comment: The c.293_296dupGACA variant in SLC12A3 is a frameshift variant predicted to shift the reading frame beginning at codon 99 and leads to a stop codon 9 codons downstream. This variant is expected to result in nonsense mediated decay, truncation, or a dysfunctional protein product. This variant is rare in the general population with a frequency below the threshold expected for the associated phenotype(s). This variant has been observed in one or more individuals affected with the associated recessive disease, as either homozygous or compound heterozygous with a second variant (PMID: 21415153). Given the available evidence, this variant is classified as Pathogenic.

Labcorp Genetics (formerly Invitae), Labcorp
Classification: Pathogenic. Last evaluated: 2023-08-22. Review status: criteria provided, single submitter. Criteria: Invitae Variant Classification Sherloc (09022015). Collection method: clinical testing. Allele origin: germline.
Comment: For these reasons, this variant has been classified as Pathogenic. ClinVar contains an entry for this variant (Variation ID: 1403834). This premature translational stop signal has been observed in individual(s) with Gitelman syndrome (PMID: 21415153, 31672324). This variant is not present in population databases (gnomAD no frequency). This sequence change creates a premature translational stop signal (p.His99Glnfs*9) in the SLC12A3 gene. It is expected to result in an absent or disrupted protein product. Loss-of-function variants in SLC12A3 are known to be pathogenic (PMID: 20848653, 22009145, 25841442).

Blueprint Genetics
Classification: Pathogenic for SLC12A3-related disorders. Last evaluated: 2019-03-07. Review status: criteria provided, single submitter. Criteria: ACMG Guidelines, 2015. Collection method: clinical testing. Allele origin: germline. Affected: yes. Observed: 1 variant allele.

Literature cited by the submitters: PubMed 21415153 (cited by Natera, Inc. and Labcorp Genetics (formerly Invitae), Labcorp); PubMed 31672324 (cited by Labcorp Genetics (formerly Invitae), Labcorp); PubMed 20848653 (cited by Labcorp Genetics (formerly Invitae), Labcorp); PubMed 22009145 (cited by Labcorp Genetics (formerly Invitae), Labcorp); PubMed 25841442 (cited by Labcorp Genetics (formerly Invitae), Labcorp).

NM_001126108.2(SLC12A3):c.293_296dup (p.His99fs)

Gene: SLC12A3 (solute carrier family 12 member 3; plus strand). Cytogenetic location: 16q13.
Variant type: Duplication.
Coding change: c.293_296dup on transcript NM_001126108.2 (MANE Select); coding-DNA positions 293 to 296, 4 bases duplicated (GACA; older notation c.293_296dupGACA).
Protein change: p.His99fs; shifts the reading frame from histidine 99.
Molecular consequence: frameshift variant.
Genome position (GRCh38, 1-based): chr16:56,867,080-56,867,083, GACA duplicated; duplicating any 4 consecutive bases within chr16:56,867,078-56,867,083 gives the same sequence; the c. name uses the placement nearest the transcript's 3' end. VCF-style (leftmost placement, unchanged base first): chr16-56867077-G-GCAGA. GRCh37 (hg19) VCF-style: chr16-56900989-G-GCAGA.
Other names: c.293_296dup, p.His99fs (NM_000339.3); c.290_293dup, p.His98fs (NM_001126107.2); c.293_296dupGACA (NM_000339.2); short protein forms H98fs, H99fs.
Identifiers: ClinVar variation 1403834 (VCV001403834.8), dbSNP rs2144682095, ClinGen allele CA2573152446.